The following is an entry in ClinVar:

ClinVar aggregate classification (germline): Likely benign. Review status: criteria provided, multiple submitters, no conflicts (2 of 4 stars). 2 submissions from 2 submitters: Likely benign (2). Last evaluated 2024-04-29.

Allele frequency attached by ClinVar (database versions not stated): TOPMed below 0.00001; gnomAD exomes 0.00001.
gnomAD v4.1: 15 of 1,583,248 alleles (0.00095%); highest among the groups gnomAD compares: South Asian, 0.0023%; no homozygotes.

Submissions (2):

Labcorp Genetics (formerly Invitae), Labcorp
Classification: Likely benign. Last evaluated: 2024-04-29. Review status: criteria provided, single submitter. Criteria: Invitae Variant Classification Sherloc (09022015). Collection method: clinical testing. Allele origin: germline.

GeneDx
Classification: Likely benign. Last evaluated: 2015-12-02. Review status: criteria provided, single submitter. Criteria: GeneDx Variant Classification (06012015). Collection method: clinical testing. Allele origin: germline. Affected: yes.
Comment: This variant is considered likely benign or benign based on one or more of the following criteria: it is a conservative change, it occurs at a poorly conserved position in the protein, it is predicted to be benign by multiple in silico algorithms, and/or has population frequency not consistent with disease.

NM_006231.4(POLE):c.6531+12C>T

Gene: POLE (DNA polymerase epsilon, catalytic subunit; minus strand). Cytogenetic location: 12q24.33.
Variant type: single nucleotide variant.
Coding change: c.6531+12C>T on transcript NM_006231.4 (MANE Select); 12 bases into the intron after coding-DNA position 6531, C replaced by T.
Molecular consequence: intron variant.
Genome position (GRCh38, 1-based): chr12:132,626,105, G>A on the plus strand (C>T on the coding strand, the complement: POLE is on the minus strand). VCF-style: chr12-132626105-G-A. GRCh37 (hg19) VCF-style: chr12-133202691-G-A.
Identifiers: ClinVar variation 382016 (VCV000382016.8), dbSNP rs1041511996, ClinGen allele CA16606487.
Genomic context (GRCh38, chr12:132,626,105, plus strand): 5'-AGCCCTCAAGACACCGCAGTGCCCTCGGATGTTCTGCTCCACAGTGAAGGGCCCGCTGGA[G>A]CTCAGCCGCACCTCTGAGAAGGAAGAGTCTTTACACAGGTCCAGGTCGCGGCAGAAGTTA-3'